The following is an entry in ClinVar:

ClinVar aggregate classification (germline): Uncertain significance. Review status: criteria provided, multiple submitters, no conflicts (2 of 4 stars). 2 submissions from 2 submitters: Uncertain significance (2). Last evaluated 2025-02-19.

Allele frequency attached by ClinVar (database versions not stated): gnomAD exomes 0.00001.

Submissions (2):

GeneDx
Classification: Uncertain significance. Last evaluated: 2025-02-19. Review status: criteria provided, single submitter. Criteria: GeneDx Variant Classification Process June 2021. Collection method: clinical testing. Allele origin: germline. Affected: yes.
Comment: Not observed at significant frequency in large population cohorts (gnomAD); Frameshift variant predicted to result in protein truncation or nonsense mediated decay in a gene or region of a gene for which loss of function is not a well-established mechanism of disease; Has not been previously published as pathogenic or benign to our knowledge

Labcorp Genetics (formerly Invitae), Labcorp
Classification: Uncertain significance. Last evaluated: 2022-03-01. Review status: criteria provided, single submitter. Criteria: Invitae Variant Classification Sherloc (09022015). Collection method: clinical testing. Allele origin: germline.
Comment: In summary, the available evidence is currently insufficient to determine the role of this variant in disease. Therefore, it has been classified as a Variant of Uncertain Significance. This variant has not been reported in the literature in individuals affected with GHSR-related conditions. This variant is not present in population databases (gnomAD no frequency). This sequence change creates a premature translational stop signal (p.Thr64Profs*74) in the GHSR gene. It is expected to result in an absent or disrupted protein product. However, the current clinical and genetic evidence is not sufficient to establish whether loss-of-function variants in GHSR cause disease.

NM_198407.2(GHSR):c.189del (p.Thr64fs)

Gene: GHSR (growth hormone secretagogue receptor; minus strand). Cytogenetic location: 3q26.31.
Variant type: Deletion.
Coding change: c.189del on transcript NM_198407.2 (MANE Select); coding-DNA position 189, one base deleted (C; older notation c.189delC).
Protein change: p.Thr64fs; shifts the reading frame from threonine 64.
Molecular consequence: frameshift variant.
Genome position (GRCh38, 1-based): chr3:172,448,225, G deleted on the plus strand (C on the coding strand, the reverse complement: GHSR is on the minus strand). VCF-style (leftmost placement, unchanged base first): chr3-172448224-TG-T. GRCh37 (hg19) VCF-style: chr3-172166014-TG-T.
Other names: c.189del, p.Thr64fs (NM_004122.2); short protein forms T64fs.
Identifiers: ClinVar variation 2105332 (VCV002105332.5), dbSNP rs2473557918, ClinGen allele CA2580069086.